The following is an entry in ClinVar:

ClinVar aggregate classification (germline): Uncertain significance (1 of 4 stars; one submission).

Submission:

Ambry Genetics
Classification: Uncertain significance. Last evaluated: 2023-12-14. Review status: criteria provided, single submitter. Criteria: Ambry Variant Classification Scheme 2023. Collection method: clinical testing. Allele origin: germline.
Comment: The p.I544T variant (also known as c.1631T>C), located in coding exon 16 of the PRKDC gene, results from a T to C substitution at nucleotide position 1631. The isoleucine at codon 544 is replaced by threonine, an amino acid with similar properties. This amino acid position is conserved. In addition, this alteration is predicted to be tolerated by in silico analysis. Since supporting evidence is limited at this time, the clinical significance of this alteration remains unclear.

NM_006904.7(PRKDC):c.1631T>C (p.Ile544Thr)

Gene: PRKDC (protein kinase, DNA-activated, catalytic subunit; minus strand). Cytogenetic location: 8q11.21.
Variant type: single nucleotide variant.
Coding change: c.1631T>C on transcript NM_006904.7 (MANE Select); coding-DNA position 1631, T replaced by C.
Protein change: p.Ile544Thr; replaces isoleucine 544 with threonine.
Molecular consequence: missense variant.
Genome position (GRCh38, 1-based): chr8:47,933,165, A>G on the plus strand (T>C on the coding strand, the complement: PRKDC is on the minus strand). VCF-style: chr8-47933165-A-G. GRCh37 (hg19) VCF-style: chr8-48845725-A-G.
Other names: c.1631T>C, p.Ile544Thr (NM_001081640.2); short protein forms I544T.
Identifiers: ClinVar variation 3225757 (VCV003225757.1), dbSNP rs2551879048, ClinGen allele CA371165212.
Genomic context (GRCh38, chr8:47,933,165, plus strand): 5'-AGTAAATGATTCAGACTTTCACTGGAGGAATTCACAGAGAAAAATGCTTCATCTGCTAAA[A>G]TAGAATCCTTTAAATAAAGAAAAACAATAAACTTCAAAATCTTGTGCAAAAATGTATTAG-3'
Protein context (NP_008835.5, residues 534-554): LLSSDQMMDS[Ile544Thr]LADEAFFSVN